The following is an entry in ClinVar:

ClinVar aggregate classification (germline): Uncertain significance. Review status: criteria provided, multiple submitters, no conflicts (2 of 4 stars). 2 submissions from 2 submitters: Uncertain significance (2). Last evaluated 2023-11-28.

Conditions:
Wilson disease (WND). Also called: Wilson's disease. Identifiers: Orphanet 905, MedGen C0019202, MONDO:0010200, OMIM 277900. Disease mechanism: loss of function.
Inborn genetic diseases. Identifiers: MedGen C0950123, MeSH D030342.

Allele frequency attached by ClinVar (database versions not stated): gnomAD exomes below 0.00001.

Submissions (2):

Ambry Genetics
Classification: Uncertain significance for Inborn genetic diseases. Last evaluated: 2023-11-28. Review status: criteria provided, single submitter. Criteria: Ambry Variant Classification Scheme 2023. Collection method: clinical testing. Allele origin: germline.

All of Us Research Program, National Institutes of Health
Classification: Uncertain significance for Wilson disease. Last evaluated: 2023-10-06. Review status: criteria provided, single submitter. Criteria: ACMG Guidelines, 2015. Collection method: clinical testing. Allele origin: germline. Inheritance: Autosomal recessive inheritance. Observed: 1 variant allele, 1 heterozygote.
Comment: This missense variant replaces glutamine with glutamic acid at codon 389 of the ATP7B protein. Computational prediction suggests that this variant may not impact protein structure and function (internally defined REVEL score threshold <= 0.5, PMID: 27666373). To our knowledge, functional studies have not been reported for this variant. This variant has not been reported in individuals affected with ATP7B-related disorders in the literature. This variant has not been identified in the general population by the Genome Aggregation Database (gnomAD). The available evidence is insufficient to determine the role of this variant in disease conclusively. Therefore, this variant is classified as a Variant of Uncertain Significance.

This study involves interpretation of variants in research participants for the purpose of population health screening. Participant phenotype was not available at the time of variant classification. Additional details can be found in publication PMID: 35346344, PMCID: PMC8962531

NM_000053.4(ATP7B):c.1165C>G (p.Gln389Glu)

Gene: ATP7B (ATPase copper transporting beta; minus strand). Cytogenetic location: 13q14.3.
Variant type: single nucleotide variant.
Coding change: c.1165C>G on transcript NM_000053.4 (MANE Select); coding-DNA position 1165, C replaced by G.
Protein change: p.Gln389Glu; replaces glutamine 389 with glutamic acid.
Molecular consequence: missense variant.
Genome position (GRCh38, 1-based): chr13:51,974,055, G>C on the plus strand (C>G on the coding strand, the complement: ATP7B is on the minus strand). VCF-style: chr13-51974055-G-C. GRCh37 (hg19) VCF-style: chr13-52548191-G-C.
Other names: c.1165C>G, p.Gln389Glu (NM_001005918.3, NM_001330578.2, NM_001330579.2 and 29 more transcripts); c.832C>G, p.Gln278Glu (NM_001243182.2); c.1069C>G, p.Gln357Glu (NM_001406517.1, NM_001406518.1, NM_001406530.1 and 3 more transcripts); c.1165C>G (NM_000053.3); c.736C>G, p.Gln246Glu (NM_001406539.1); short protein forms Q246E, Q278E, Q357E, Q389E.
Identifiers: ClinVar variation 3073725 (VCV003073725.2), dbSNP rs2547814335, ClinGen allele CA388038616.
Genomic context (GRCh38, chr13:51,974,055, plus strand): 5'-TAATTACAGAGGGATTATAAAGAACTGTTGCAGTCCCTTCGGCCAAAGACACCGATATTT[G>C]CTGCACCCCTTCCAGTTGGGAGATCATGCCTTCAATGGAATGGACACAGGATGCACAGGT-3'
Protein context (NP_000044.2, residues 379-399): GMISQLEGVQ[Gln389Glu]ISVSLAEGTA